The following is an entry in ClinVar:

ClinVar aggregate classification (germline): Likely benign. Review status: reviewed by expert panel (3 of 4 stars). 6 submissions from 6 submitters: Likely benign (1). 5 of the submissions do not count toward it. Last evaluated 2024-09-17.

Conditions:
Cardiovascular phenotype. Identifiers: MedGen CN230736.
RASopathy. Also called: Noonan spectrum disorder; rasopathies. Identifiers: Orphanet 536391, MedGen C5555857, MONDO:0021060.
Costello syndrome (CSTLO). Also called: HRAS-Related Costello Syndrome; FACIOCUTANEOSKELETAL SYNDROME; FCS SYNDROME. Identifiers: Orphanet 3071, MedGen C0587248, MONDO:0009026, OMIM 218040.

Allele frequency attached by ClinVar (database versions not stated): gnomAD 0.00001; gnomAD exomes 0.00001 and 0.00004; TOPMed 0.00001; ExAC 0.00003.
gnomAD v4.1: 25 of 1,613,124 alleles (0.0015%); highest among the groups gnomAD compares: East Asian, 0.038%; no homozygotes.

Submissions (6):

ClinGen RASopathy Variant Curation Expert Panel
Classification: Likely benign for RASopathy. Last evaluated: 2024-09-17. Review status: reviewed by expert panel. Criteria: ClinGen RASopathy ACMG Specifications HRAS V2.1.0. Collection method: curation. Allele origin: germline. Inheritance: Autosomal dominant inheritance.
Comment: The c.510G>A variant in the HRAS gene is a synonymous (silent) variant (p.Lys170=) at a nucleotide that is not predicted by SpliceAI to impact splicing (BP4, BP7). The filtering allele frequency in gnomAD v4.1.0 is 0.02525% (17/44900 alleles) in the East Asian population meeting BS1. This variant has been identified in patients with an alternate molecular basis for disease (BP5; LMM and GeneDx internal data; GTR ID's: 21766, 26957; ClinVar SCV000062144.5; SCV000168832.9). In summary, this variant meets criteria to be classified as likely benign for autosomal dominant RASopathies based on the ACMG/AMP criteria applied, as specified by the ClinGen RASopathy Variant Curation Expert Panel: BS1, BP4, BP5, BP7 (Specification Version 2.1, 09/17/2024)

Labcorp Genetics (formerly Invitae), Labcorp
Classification: Likely benign for Costello syndrome. Last evaluated: 2026-01-12. Review status: criteria provided, single submitter. Criteria: Invitae Variant Classification Sherloc (09022015). Collection method: clinical testing. Allele origin: germline. Not counted in ClinVar's aggregate classification.

Ambry Genetics
Classification: Likely benign for Cardiovascular phenotype. Last evaluated: 2022-11-15. Review status: criteria provided, single submitter. Criteria: Ambry Variant Classification Scheme 2023. Collection method: clinical testing. Allele origin: germline. Not counted in ClinVar's aggregate classification.

Women's Health and Genetics/Laboratory Corporation of America, LabCorp
Classification: Benign. Last evaluated: 2019-07-12. Review status: criteria provided, single submitter. Criteria: LabCorp Variant Classification Summary - May 2015. Collection method: clinical testing. Allele origin: germline. Not counted in ClinVar's aggregate classification.

GeneDx
Classification: Benign. Last evaluated: 2013-08-19. Review status: criteria provided, single submitter. Criteria: GeneDx Variant Classification (06012015). Collection method: clinical testing. Allele origin: germline. Affected: yes. Not counted in ClinVar's aggregate classification.
Comment: This variant is considered likely benign or benign based on one or more of the following criteria: it is a conservative change, it occurs at a poorly conserved position in the protein, it is predicted to be benign by multiple in silico algorithms, and/or has population frequency not consistent with disease.

Laboratory for Molecular Medicine, Mass General Brigham Personalized Medicine
Classification: Likely benign. Last evaluated: 2012-01-17. Review status: criteria provided, single submitter. Criteria: LMM Criteria. Collection method: clinical testing. Allele origin: germline. Observed: 1 variant allele. Not counted in ClinVar's aggregate classification.
Comment: Lys170Lys in exon 5B of HRAS: This variant is not expected to have clinical sign ificance because it does not alter an amino acid residue and it is not located w ithin the splice consensus sequence.

NM_005343.4(HRAS):c.510G>A (p.Lys170=)

Genes: HRAS (HRas proto-oncogene, GTPase; minus strand), LRRC56 (leucine rich repeat containing 56; plus strand). Cytogenetic location: 11p15.5.
Variant type: single nucleotide variant.
Coding change: c.510G>A on transcript NM_005343.4 (MANE Select); coding-DNA position 510, G replaced by A.
Protein change: p.Lys170=; no amino-acid change (lysine 170 retained).
Molecular consequence: synonymous variant. On other transcripts: 3 prime UTR variant (1).
Genome position (GRCh38, 1-based): chr11:532,696, C>T on the plus strand (G>A on the coding strand, the complement: HRAS is on the minus strand). VCF-style: chr11-532696-C-T. GRCh37 (hg19) VCF-style: chr11-532696-C-T.
Other names: p.K170K:AAG>AAA; NM_005343.3(HRAS):c.510G>A; p.Lys170Lys; c.510G>A, p.Lys170= (NM_001130442.3); c.273G>A, p.Lys91= (NM_001318054.2); c.*79G>A (NM_176795.5).
Identifiers: ClinVar variation 45305 (VCV000045305.20), dbSNP rs397517143, ClinGen allele CA135992.